The following is an entry in ClinVar:

ClinVar aggregate classification (germline): Uncertain significance. Review status: criteria provided, multiple submitters, no conflicts (2 of 4 stars). 2 submissions from 2 submitters: Uncertain significance (2). Last evaluated 2025-02-20.

Conditions:
Hereditary cancer-predisposing syndrome. Also called: Neoplastic Syndromes, Hereditary; Tumor predisposition; Hereditary Cancer Syndrome; Hereditary neoplastic syndrome. Identifiers: Orphanet 140162, MedGen C0027672, MeSH D009386, MONDO:0015356.
Gastrointestinal stromal tumor. Also called: Gastrointestinal stromal tumor, somatic; Gastrointestinal stroma tumor. Identifiers: Orphanet 44890, MedGen C0238198, MeSH D046152, MONDO:0011719, OMIM 606764, HP:0100723.

gnomAD v4.1: 4 of 1,610,554 alleles (0.00025%); highest among the groups gnomAD compares: Non-Finnish European, 0.00034%; no homozygotes.

Submissions (2):

Labcorp Genetics (formerly Invitae), Labcorp
Classification: Uncertain significance for Gastrointestinal stromal tumor. Last evaluated: 2025-02-20. Review status: criteria provided, single submitter. Criteria: Invitae Variant Classification Sherloc (09022015). Collection method: clinical testing. Allele origin: germline.
Comment: This sequence change replaces tyrosine, which is neutral and polar, with histidine, which is basic and polar, at codon 962 of the PDGFRA protein (p.Tyr962His). This variant is not present in population databases (gnomAD no frequency). This variant has not been reported in the literature in individuals affected with PDGFRA-related conditions. Invitae Evidence Modeling of protein sequence and biophysical properties (such as structural, functional, and spatial information, amino acid conservation, physicochemical variation, residue mobility, and thermodynamic stability) has been performed for this missense variant. However, the output from this modeling did not meet the statistical confidence thresholds required to predict the impact of this variant on PDGFRA protein function. In summary, the available evidence is currently insufficient to determine the role of this variant in disease. Therefore, it has been classified as a Variant of Uncertain Significance.

Ambry Genetics
Classification: Uncertain significance for Hereditary cancer-predisposing syndrome. Last evaluated: 2024-12-12. Review status: criteria provided, single submitter. Criteria: Ambry Variant Classification Scheme 2023. Collection method: clinical testing. Allele origin: germline.
Comment: The p.Y962H variant (also known as c.2884T>C), located in coding exon 21 of the PDGFRA gene, results from a T to C substitution at nucleotide position 2884. The tyrosine at codon 962 is replaced by histidine, an amino acid with similar properties. This amino acid position is highly conserved in available vertebrate species. In addition, this alteration is predicted to be deleterious by in silico analysis. Based on the available evidence, the clinical significance of this variant remains unclear.

NM_006206.6(PDGFRA):c.2884T>C (p.Tyr962His)

Gene: PDGFRA (platelet derived growth factor receptor alpha; plus strand). Cytogenetic location: 4q12.
Variant type: single nucleotide variant.
Coding change: c.2884T>C on transcript NM_006206.6 (MANE Select); coding-DNA position 2884, T replaced by C.
Protein change: p.Tyr962His; replaces tyrosine 962 with histidine.
Molecular consequence: missense variant.
Genome position (GRCh38, 1-based): chr4:54,290,316, T>C. VCF-style: chr4-54290316-T-C. GRCh37 (hg19) VCF-style: chr4-55156483-T-C.
Other names: c.2959T>C, p.Tyr987His (NM_001347828.2); c.2884T>C, p.Tyr962His (NM_001347829.2); c.2923T>C, p.Tyr975His (NM_001347830.2); short protein forms Y962H, Y987H, Y975H.
Identifiers: ClinVar variation 3887335 (VCV003887335.2).